The following is an entry in ClinVar:

ClinVar aggregate classification (germline): Uncertain significance (0 of 4 stars; one submission).

Allele frequency attached by ClinVar (database versions not stated): gnomAD exomes below 0.00001 and 0.00001; TOPMed 0.00001; gnomAD 0.00002.
gnomAD v4.1: 5 of 1,613,902 alleles (0.00031%); highest among the groups gnomAD compares: Admixed American, 0.0083%; no homozygotes.

Submission:

Department of Pathology and Laboratory Medicine, Sinai Health System
Classification: Uncertain significance. Review status: no assertion criteria provided. Collection method: clinical testing. Allele origin: unknown. Affected: yes. Study: The Canadian Open Genetics Repository (COGR).
Comment: The KRT6CÂ¬â€ p.I523N variant was not identified in the literature nor was it identified in ClinVar.Â¬â€ The variant was identified in dbSNP (ID: rs1236573294) and in control databases in 2 of 251252 chromosomes at a frequency of 0.000007960 (Genome Aggregation Database March 6, 2019, v2.1.1). The p.I532 residue is not conserved in mammals and other organisms and computational analyses (MUT Assesor, SIFT, MutationTaster, Revel, FATHMM, MetaLR, DANN) provide inconsistent predictions regarding the impact to the protein; this information is not very predictive of pathogenicity. The variant occurs outside of the splicing consensus sequence and in silico or computational prediction software programs (Splice AI exome) do not predict a difference in splicing. In summary, based on the above information the clinical significance of this variant cannot be determined with certainty at this time. This variant is classified as a variant of uncertain significance.

NM_173086.5(KRT6C):c.1568T>A (p.Ile523Asn)

Gene: KRT6C (keratin 6C; minus strand). Cytogenetic location: 12q13.13.
Variant type: single nucleotide variant.
Coding change: c.1568T>A on transcript NM_173086.5 (MANE Select); coding-DNA position 1568, T replaced by A.
Protein change: p.Ile523Asn; replaces isoleucine 523 with asparagine.
Molecular consequence: missense variant.
Genome position (GRCh38, 1-based): chr12:52,469,189, A>T on the plus strand (T>A on the coding strand, the complement: KRT6C is on the minus strand). VCF-style: chr12-52469189-A-T. GRCh37 (hg19) VCF-style: chr12-52862973-A-T.
Other names: short protein forms I523N.
Identifiers: ClinVar variation 1049810 (VCV001049810.1), dbSNP rs1236573294, ClinGen allele CA384933220.